The following is an entry in ClinVar:

ClinVar aggregate classification (germline): Uncertain significance (1 of 4 stars; one submission).

gnomAD v4.1: 36 of 1,609,536 alleles (0.0022%); highest among the groups gnomAD compares: Middle Eastern, 0.17%; no homozygotes.

Submission:

Labcorp Genetics (formerly Invitae), Labcorp
Classification: Uncertain significance. Last evaluated: 2025-08-14. Review status: criteria provided, single submitter. Criteria: Invitae Variant Classification Sherloc (09022015). Collection method: clinical testing. Allele origin: germline.
Comment: This sequence change replaces tyrosine, which is neutral and polar, with serine, which is neutral and polar, at codon 506 of the INTU protein (p.Tyr506Ser). This variant is present in population databases (rs765640244, gnomAD 0.007%). This variant has not been reported in the literature in individuals affected with INTU-related conditions. ClinVar contains an entry for this variant (Variation ID: 3605220). Invitae Evidence Modeling of protein sequence and biophysical properties (such as structural, functional, and spatial information, amino acid conservation, physicochemical variation, residue mobility, and thermodynamic stability) has been performed for this missense variant. However, the output from this modeling did not meet the statistical confidence thresholds required to predict the impact of this variant on INTU protein function. In summary, the available evidence is currently insufficient to determine the role of this variant in disease. Therefore, it has been classified as a Variant of Uncertain Significance.

NM_015693.4(INTU):c.1517A>C (p.Tyr506Ser)

Gene: INTU (inturned planar cell polarity protein; plus strand). Cytogenetic location: 4q28.1.
Variant type: single nucleotide variant.
Coding change: c.1517A>C on transcript NM_015693.4 (MANE Select); coding-DNA position 1517, A replaced by C.
Protein change: p.Tyr506Ser; replaces tyrosine 506 with serine.
Molecular consequence: missense variant.
Genome position (GRCh38, 1-based): chr4:127,704,241, A>C. VCF-style: chr4-127704241-A-C. GRCh37 (hg19) VCF-style: chr4-128625396-A-C.
Other names: short protein forms Y506S.
Identifiers: ClinVar variation 3605220 (VCV003605220.2).